The following is an entry in ClinVar:

NM_002470.4(MYH3):c.2053A>G (p.Met685Val)

Gene: MYH3 (myosin heavy chain 3; minus strand). Cytogenetic location: 17p13.1.
Variant type: single nucleotide variant.
Coding change: c.2053A>G on transcript NM_002470.4 (MANE Select); coding-DNA position 2053, A replaced by G.
Protein change: p.Met685Val; replaces methionine 685 with valine.
Molecular consequence: missense variant.
Genome position (GRCh38, 1-based): chr17:10,641,197, T>C on the plus strand (A>G on the coding strand, the complement: MYH3 is on the minus strand). VCF-style: chr17-10641197-T-C. GRCh37 (hg19) VCF-style: chr17-10544514-T-C.
Other names: short protein forms M685V.
Identifiers: ClinVar variation 3621981 (VCV003621981.2).

ClinVar aggregate classification (germline): Uncertain significance (1 of 4 stars; one submission).

gnomAD v4.1: 2 of 1,613,654 alleles (0.00012%); highest among the groups gnomAD compares: East Asian, 0.0022%; no homozygotes.

Submission:

Labcorp Genetics (formerly Invitae), Labcorp
Classification: Uncertain significance. Last evaluated: 2024-11-27. Review status: criteria provided, single submitter. Criteria: Invitae Variant Classification Sherloc (09022015). Collection method: clinical testing. Allele origin: germline.
Comment: This sequence change replaces methionine, which is neutral and non-polar, with valine, which is neutral and non-polar, at codon 685 of the MYH3 protein (p.Met685Val). This variant is not present in population databases (gnomAD no frequency). This variant has not been reported in the literature in individuals affected with MYH3-related conditions. Invitae Evidence Modeling of protein sequence and biophysical properties (such as structural, functional, and spatial information, amino acid conservation, physicochemical variation, residue mobility, and thermodynamic stability) indicates that this missense variant is not expected to disrupt MYH3 protein function with a negative predictive value of 95%. In summary, the available evidence is currently insufficient to determine the role of this variant in disease. Therefore, it has been classified as a Variant of Uncertain Significance.